The following is an entry in ClinVar:

NM_003190.5(TAPBP):c.706G>A (p.Val236Met)

Gene: TAPBP (TAP binding protein; minus strand). Cytogenetic location: 6p21.32.
Variant type: single nucleotide variant.
Coding change: c.706G>A on transcript NM_003190.5 (MANE Select); coding-DNA position 706, G replaced by A.
Protein change: p.Val236Met; replaces valine 236 with methionine.
Molecular consequence: missense variant.
Genome position (GRCh38, 1-based): chr6:33,305,151, C>T on the plus strand (G>A on the coding strand, the complement: TAPBP is on the minus strand). VCF-style: chr6-33305151-C-T. GRCh37 (hg19) VCF-style: chr6-33272928-C-T.
Other names: c.706G>A, p.Val236Met (NM_001410875.1, NM_172208.3); c.445G>A, p.Val149Met (NM_172209.3); short protein forms V149M, V236M.
Identifiers: ClinVar variation 3019559 (VCV003019559.3), dbSNP rs765208804, ClinGen allele CA3755825.

ClinVar aggregate classification (germline): Uncertain significance (1 of 4 stars; one submission).

Conditions:
MHC class I deficiency. Identifiers: Orphanet 34592, MedGen C6024714, MONDO:0011476.

Allele frequency attached by ClinVar (database versions not stated): gnomAD exomes 0.00002; TOPMed 0.00002.

Submission:

Labcorp Genetics (formerly Invitae), Labcorp
Classification: Uncertain significance for MHC class I deficiency 1. Last evaluated: 2025-07-10. Review status: criteria provided, single submitter. Criteria: Invitae Variant Classification Sherloc (09022015). Collection method: clinical testing. Allele origin: germline.
Comment: This sequence change replaces valine, which is neutral and non-polar, with methionine, which is neutral and non-polar, at codon 236 of the TAPBP protein (p.Val236Met). This variant is present in population databases (rs765208804, gnomAD 0.006%). This variant has not been reported in the literature in individuals affected with TAPBP-related conditions. ClinVar contains an entry for this variant (Variation ID: 3019559). An algorithm developed to predict the effect of missense changes on protein structure and function (PolyPhen-2) suggests that this variant is likely to be disruptive. In summary, the available evidence is currently insufficient to determine the role of this variant in disease. Therefore, it has been classified as a Variant of Uncertain Significance.